The following is an entry in ClinVar:

ClinVar aggregate classification (germline): Benign. Review status: criteria provided, multiple submitters, no conflicts (2 of 4 stars). 3 submissions from 3 submitters: Benign (3). Last evaluated 2021-05-11.

Conditions:
Jalili syndrome. Also called: CONE-ROD DYSTROPHY AND AMELOGENESIS IMPERFECTA. Identifiers: Orphanet 1873, MedGen C3495589, MONDO:0009007, OMIM 217080.

Allele frequency attached by ClinVar (database versions not stated): gnomAD exomes 0.00945; gnomAD 0.09387 and 0.10076; 1000 Genomes Project 0.10543; TOPMed 0.10502; 1000 Genomes Project 30x 0.11321.

Submissions (3):

GeneDx
Classification: Benign. Last evaluated: 2021-05-11. Review status: criteria provided, single submitter. Criteria: GeneDx Variant Classification Process June 2021. Collection method: clinical testing. Allele origin: germline. Affected: yes.

Illumina Laboratory Services, Illumina
Classification: Benign for Jalili syndrome. Last evaluated: 2018-01-13. Review status: criteria provided, single submitter. Criteria: ICSL Variant Classification Criteria 13 December 2019. Collection method: clinical testing. Allele origin: germline.
Comment: This variant was observed in the ICSL laboratory as part of a predisposition screen in an ostensibly healthy population. It had not been previously curated by ICSL or reported in the Human Gene Mutation Database (HGMD: prior to June 1st, 2018), and was therefore a candidate for classification through an automated scoring system. Utilizing variant allele frequency, disease prevalence and penetrance estimates, and inheritance mode, an automated score was calculated to assess if this variant is too frequent to cause the disease. Based on the score and internal cut-off values, a variant classified as benign is not then subjected to further curation. The score for this variant resulted in a classification of benign for this disease.

Breakthrough Genomics
Classification: Benign. Review status: criteria provided, single submitter. Criteria: ACMG Guidelines, 2015. Collection method: not provided. Allele origin: germline. Inheritance: Autosomal recessive inheritance. Affected: yes.

NM_020184.4(CNNM4):c.*91C>T

Gene: CNNM4 (cyclin and CBS domain divalent metal cation transport mediator 4; plus strand). Cytogenetic location: 2q11.2.
Variant type: single nucleotide variant.
Coding change: c.*91C>T on transcript NM_020184.4 (MANE Select); 91 bases downstream of the stop codon, C replaced by T.
Molecular consequence: 3 prime UTR variant.
Genome position (GRCh38, 1-based): chr2:96,809,608, C>T. VCF-style: chr2-96809608-C-T. GRCh37 (hg19) VCF-style: chr2-97475345-C-T.
Identifiers: ClinVar variation 337595 (VCV000337595.8), dbSNP rs7581456, ClinGen allele CA10614246.